The following is an entry in ClinVar:

ClinVar aggregate classification (germline): Uncertain significance (1 of 4 stars; one submission).

Submission:

Labcorp Genetics (formerly Invitae), Labcorp
Classification: Uncertain significance. Last evaluated: 2021-12-02. Review status: criteria provided, single submitter. Criteria: Invitae Variant Classification Sherloc (09022015). Collection method: clinical testing. Allele origin: germline.
Comment: In summary, the available evidence is currently insufficient to determine the role of this variant in disease. Therefore, it has been classified as a Variant of Uncertain Significance. Algorithms developed to predict the effect of missense changes on protein structure and function output the following: SIFT: "Tolerated"; PolyPhen-2: "Benign"; Align-GVGD: "Class C0". The valine amino acid residue is found in multiple mammalian species, which suggests that this missense change does not adversely affect protein function. This variant has not been reported in the literature in individuals affected with KMT2C-related conditions. This variant is not present in population databases (gnomAD no frequency). This sequence change replaces phenylalanine, which is neutral and non-polar, with valine, which is neutral and non-polar, at codon 4001 of the KMT2C protein (p.Phe4001Val).

NM_170606.3(KMT2C):c.12001T>G (p.Phe4001Val)

Gene: KMT2C (lysine methyltransferase 2C; minus strand). Cytogenetic location: 7q36.1.
Variant type: single nucleotide variant.
Coding change: c.12001T>G on transcript NM_170606.3 (MANE Select); coding-DNA position 12001, T replaced by G.
Protein change: p.Phe4001Val; replaces phenylalanine 4001 with valine.
Molecular consequence: missense variant.
Genome position (GRCh38, 1-based): chr7:152,154,405, A>C on the plus strand (T>G on the coding strand, the complement: KMT2C is on the minus strand). VCF-style: chr7-152154405-A-C. GRCh37 (hg19) VCF-style: chr7-151851490-A-C.
Other names: short protein forms F4001V.
Identifiers: ClinVar variation 1494616 (VCV001494616.6), dbSNP rs2129098820, ClinGen allele CA370096812.
Genomic context (GRCh38, chr7:152,154,405, plus strand): 5'-GATCTGGATACCTGCTCACTTCTACCCCAACCACACTCTCAGGAGAGGATGAGGGAACAA[A>C]ACTGTCAGGAGTATCTCGATCACCACAGTGATCCTGTATCCTGAAAAAACATAAACACAC-3'
Protein context (NP_733751.2, residues 3991-4011): HCGDRDTPDS[Phe4001Val]VPSSSPESVV